The following is an entry in ClinVar:

ClinVar aggregate classification (germline): Uncertain significance (1 of 4 stars; one submission).

Conditions:
Early-infantile DEE. Also called: Early infantile epileptic encephalopathy; Ohtahara syndrome; Early infantile epileptic encephalopathy with suppression bursts. Identifiers: Orphanet 1934, MedGen C0393706, MONDO:0800491.

Allele frequency attached by ClinVar (database versions not stated): gnomAD exomes below 0.00001; TOPMed below 0.00001; ExAC 0.00001.
gnomAD v4.1: 3 of 1,614,218 alleles (0.00019%); highest among the groups gnomAD compares: Middle Eastern, 0.016%; no homozygotes.

Submission:

Labcorp Genetics (formerly Invitae), Labcorp
Classification: Uncertain significance for Early-infantile DEE. Last evaluated: 2025-03-15. Review status: criteria provided, single submitter. Criteria: Invitae Variant Classification Sherloc (09022015). Collection method: clinical testing. Allele origin: germline.
Comment: This sequence change replaces valine, which is neutral and non-polar, with isoleucine, which is neutral and non-polar, at codon 290 of the SPTAN1 protein (p.Val290Ile). This variant is present in population databases (rs775177064, gnomAD 0.0009%). This variant has not been reported in the literature in individuals affected with SPTAN1-related conditions. ClinVar contains an entry for this variant (Variation ID: 1914402). Invitae Evidence Modeling of protein sequence and biophysical properties (such as structural, functional, and spatial information, amino acid conservation, physicochemical variation, residue mobility, and thermodynamic stability) has been performed for this missense variant. However, the output from this modeling did not meet the statistical confidence thresholds required to predict the impact of this variant on SPTAN1 protein function. In summary, the available evidence is currently insufficient to determine the role of this variant in disease. Therefore, it has been classified as a Variant of Uncertain Significance.

NM_001130438.3(SPTAN1):c.868G>A (p.Val290Ile)

Gene: SPTAN1 (spectrin alpha, non-erythrocytic 1; plus strand). Cytogenetic location: 9q34.11.
Variant type: single nucleotide variant.
Coding change: c.868G>A on transcript NM_001130438.3 (MANE Select); coding-DNA position 868, G replaced by A.
Protein change: p.Val290Ile; replaces valine 290 with isoleucine.
Molecular consequence: missense variant.
Genome position (GRCh38, 1-based): chr9:128,577,211, G>A. VCF-style: chr9-128577211-G-A. GRCh37 (hg19) VCF-style: chr9-131339490-G-A.
Other names: c.868G>A, p.Val290Ile (NM_001195532.2, NM_001363759.2, NM_001363765.2 and 5 more transcripts); c.904G>A, p.Val302Ile (NM_001375312.2, NM_001375318.1); short protein forms V290I, V302I.
Identifiers: ClinVar variation 1914402 (VCV001914402.5), dbSNP rs775177064, ClinGen allele CA5264265.